The following is an entry in ClinVar:

ClinVar aggregate classification (germline): Conflicting classifications of pathogenicity. Review status: criteria provided, conflicting classifications (1 of 4 stars). 2 submissions from 2 submitters: Uncertain significance (1); Likely benign (1). Last evaluated 2025-05-05.

Conditions:
Cardiovascular phenotype. Identifiers: MedGen CN230736.
Hereditary cancer-predisposing syndrome. Also called: Neoplastic Syndromes, Hereditary; Hereditary Cancer Syndrome; Hereditary neoplastic syndrome; Tumor predisposition. Identifiers: Orphanet 140162, MedGen C0027672, MeSH D009386, MONDO:0015356.
Neurofibromatosis, type 1 (NF1). Also called: Neurofibromatosis, type I; VON RECKLINGHAUSEN DISEASE; Peripheral type neurofibromatosis; NEUROFIBROMATOSIS, TYPE I, SOMATIC. Identifiers: Orphanet 636, MedGen C0027831, MONDO:0018975, OMIM 162200. Disease mechanism: loss of function.

Allele frequency attached by ClinVar (database versions not stated): TOPMed below 0.00001; gnomAD 0.00001.
gnomAD v4.1: 1 of 1,614,076 alleles (0.000062%); highest among the groups gnomAD compares: African/African-American, 0.0013%; no homozygotes.

Submissions (2):

Labcorp Genetics (formerly Invitae), Labcorp
Classification: Likely benign for Neurofibromatosis, type 1. Last evaluated: 2025-05-05. Review status: criteria provided, single submitter. Criteria: Invitae Variant Classification Sherloc (09022015). Collection method: clinical testing. Allele origin: germline.

Ambry Genetics
Classification: Uncertain significance for Cardiovascular phenotype; Hereditary cancer-predisposing syndrome. Last evaluated: 2025-03-09. Review status: criteria provided, single submitter. Criteria: Ambry Variant Classification Scheme 2023. Collection method: clinical testing. Allele origin: germline.
Comment: The p.H1626Y variant (also known as c.4876C>T), located in coding exon 36 of the NF1 gene, results from a C to T substitution at nucleotide position 4876. The histidine at codon 1626 is replaced by tyrosine, an amino acid with similar properties. This amino acid position is highly conserved in available vertebrate species. In addition, the in silico prediction for this alteration is inconclusive. Since supporting evidence is limited at this time, the clinical significance of this alteration remains unclear.

NM_001042492.3(NF1):c.4939C>T (p.His1647Tyr)

Gene: NF1 (neurofibromin 1; plus strand). Cytogenetic location: 17q11.2.
Variant type: single nucleotide variant.
Coding change: c.4939C>T on transcript NM_001042492.3 (MANE Select); coding-DNA position 4939, C replaced by T.
Protein change: p.His1647Tyr; replaces histidine 1647 with tyrosine.
Molecular consequence: missense variant.
Genome position (GRCh38, 1-based): chr17:31,325,923, C>T. VCF-style: chr17-31325923-C-T. GRCh37 (hg19) VCF-style: chr17-29652941-C-T.
Other names: c.4876C>T, p.His1626Tyr (NM_000267.4); short protein forms H1626Y, H1647Y.
Identifiers: ClinVar variation 850763 (VCV000850763.10), dbSNP rs2069328243, ClinGen allele CA399007153.